The following is an entry in ClinVar:

ClinVar aggregate classification (germline): Likely pathogenic (1 of 4 stars; one submission).

Conditions:
Inborn genetic diseases. Identifiers: MedGen C0950123, MeSH D030342.

Submission:

Ambry Genetics
Classification: Likely pathogenic for Inborn genetic diseases. Last evaluated: 2025-07-22. Review status: criteria provided, single submitter. Criteria: Ambry Variant Classification Scheme 2023. Collection method: clinical testing. Allele origin: germline.
Comment: The c.6908_6911delTCTC (p.L2303Pfs*49) alteration, located in exon 31 (coding exon 31) of the EP300 gene, consists of a deletion of 4 nucleotides from position 6908 to 6911, causing a translational frameshift with a predicted alternate stop codon after 49 amino acids. This variant is not expected to trigger nonsense-mediated mRNA decay, and impacts the last 4% of the protein. However, premature stop codons are typically deleterious in nature and the impacted region is critical for protein function (Ambry internal data). This variant was not reported in population-based cohorts in the Genome Aggregation Database (gnomAD). Based on the available evidence, this alteration is classified as likely pathogenic.

NM_001429.4(EP300):c.6908_6911del (p.Leu2303fs)

Gene: EP300 (EP300 lysine acetyltransferase; plus strand). Cytogenetic location: 22q13.2.
Variant type: Microsatellite.
Coding change: c.6908_6911del on transcript NM_001429.4 (MANE Select); coding-DNA positions 6908 to 6911, 4 bases deleted (TCTC; older notation c.6908_6911delTCTC).
Protein change: p.Leu2303fs; shifts the reading frame from leucine 2303.
Molecular consequence: frameshift variant.
Genome position (GRCh38, 1-based): chr22:41,178,619-41,178,622, TCTC deleted; deleting any 4 consecutive bases within chr22:41,178,615-41,178,622 gives the same sequence; the c. name uses the placement nearest the transcript's 3' end. VCF-style (leftmost placement, unchanged base first): chr22-41178614-TTCTC-T. GRCh37 (hg19) VCF-style: chr22-41574618-TTCTC-T.
Other names: c.6830_6833del, p.Leu2277fs (NM_001362843.2); short protein forms L2277fs, L2303fs.
Identifiers: ClinVar variation 4249452 (VCV004249452.1).